The following is an entry in ClinVar:

NM_003611.3(OFD1):c.1306G>C (p.Asp436His)

Gene: OFD1 (OFD1 centriole and centriolar satellite protein; plus strand). Cytogenetic location: Xp22.2.
Variant type: single nucleotide variant.
Coding change: c.1306G>C on transcript NM_003611.3 (MANE Select); coding-DNA position 1306, G replaced by C.
Protein change: p.Asp436His; replaces aspartic acid 436 with histidine.
Molecular consequence: missense variant.
Genome position (GRCh38, 1-based): chrX:13,756,662, G>C. VCF-style: chrX-13756662-G-C. GRCh37 (hg19) VCF-style: chrX-13774781-G-C.
Other names: c.1186G>C, p.Asp396His (NM_001330209.2); c.886G>C, p.Asp296His (NM_001330210.2); short protein forms D396H, D296H, D436H.
Identifiers: ClinVar variation 2923628 (VCV002923628.3), dbSNP rs2518910640, ClinGen allele CA412342714.
Genomic context (GRCh38, chrX:13,756,662, plus strand): 5'-CAGTCTTTGGCAATAACAAAACAAAACCATATGCTGAATGAAAAGGTTAAAGAGATGAGT[G>C]ATTATTCACTACTAAAAGAAGAGAAACTGGAGCTTCTGGCACAAAATAAATTACTTAAAC-3'
Protein context (NP_003602.1, residues 426-446): MLNEKVKEMS[Asp436His]YSLLKEEKLE

ClinVar aggregate classification (germline): Uncertain significance (1 of 4 stars; one submission).

Conditions:
Joubert syndrome. Also called: CEREBELLOPARENCHYMAL DISORDER IV; JOUBERT-BOLTSHAUSER SYNDROME; Familial aplasia of the vermis. Identifiers: Orphanet 475, MedGen C5979921, MONDO:0018772.
Orofaciodigital syndrome I (OFD1). Also called: OFDS I; Papillon-Leage and Psaume Syndrome; Oral-Facial-Digital Syndrome Type I. Identifiers: Orphanet 2750, MedGen C1510460, MONDO:0010702, OMIM 311200.

Submission:

Labcorp Genetics (formerly Invitae), Labcorp
Classification: Uncertain significance for Orofaciodigital syndrome I; Joubert syndrome. Last evaluated: 2024-01-25. Review status: criteria provided, single submitter. Criteria: Invitae Variant Classification Sherloc (09022015). Collection method: clinical testing. Allele origin: germline.
Comment: This sequence change replaces aspartic acid, which is acidic and polar, with histidine, which is basic and polar, at codon 436 of the OFD1 protein (p.Asp436His). This variant is not present in population databases (gnomAD no frequency). This variant has not been reported in the literature in individuals affected with OFD1-related conditions. Advanced modeling of protein sequence and biophysical properties (such as structural, functional, and spatial information, amino acid conservation, physicochemical variation, residue mobility, and thermodynamic stability) performed at Invitae indicates that this missense variant is not expected to disrupt OFD1 protein function with a negative predictive value of 80%. In summary, the available evidence is currently insufficient to determine the role of this variant in disease. Therefore, it has been classified as a Variant of Uncertain Significance.